The following is an entry in ClinVar:

NM_000090.4(COL3A1):c.4198T>C (p.Phe1400Leu)

Gene: COL3A1 (collagen type III alpha 1 chain; plus strand). Cytogenetic location: 2q32.2.
Variant type: single nucleotide variant.
Coding change: c.4198T>C on transcript NM_000090.4 (MANE Select); coding-DNA position 4198, T replaced by C.
Protein change: p.Phe1400Leu; replaces phenylalanine 1400 with leucine.
Molecular consequence: missense variant.
Genome position (GRCh38, 1-based): chr2:189,010,834, T>C. VCF-style: chr2-189010834-T-C. GRCh37 (hg19) VCF-style: chr2-189875560-T-C.
Other names: short protein forms F1400L.
Identifiers: ClinVar variation 4759020 (VCV004759020.1).

ClinVar aggregate classification (germline): Uncertain significance (1 of 4 stars; one submission).

Conditions:
Familial thoracic aortic aneurysm and aortic dissection (TAAD). Also called: Thoracic aortic aneurysms and dissections. Identifiers: Orphanet 91387, MedGen C4707243, MONDO:0019625.

gnomAD v4.1: 2 of 1,614,122 alleles (0.00012%); highest among the groups gnomAD compares: East Asian, 0.0022%; no homozygotes.

Submission:

Color Diagnostics, LLC DBA Color Health
Classification: Uncertain significance for Familial thoracic aortic aneurysm and aortic dissection. Last evaluated: 2025-07-25. Review status: criteria provided, single submitter. Criteria: ACMG Guidelines, 2015. Collection method: clinical testing. Allele origin: germline.
Comment: This missense variant replaces phenylalanine with leucine at codon 1400 of the COL3A1 protein. Computational prediction suggests that this variant may not impact protein structure and function. To our knowledge, functional studies have not been reported for this variant. This variant has not been reported in individuals affected with COL3A1-related disorders in the literature. This variant has been identified in 1/251368 chromosomes in the general population by the Genome Aggregation Database (gnomAD). The available evidence is insufficient to determine the role of this variant in disease conclusively. Therefore, this variant is classified as a Variant of Uncertain Significance.